The following is an entry in ClinVar:

NM_003632.3(CNTNAP1):c.4084_4095del (p.Thr1362_Pro1365del)

Genes: CNTNAP1 (contactin associated protein 1; plus strand), LOC128669077 (EZH1 +46 kb erythroid enhancer; plus strand). Cytogenetic location: 17q21.2.
Variant type: Deletion.
Coding change: c.4084_4095del on transcript NM_003632.3 (MANE Select); coding-DNA positions 4084 to 4095, 12 bases deleted (ACTCCAGCCCCA).
Protein change: p.Thr1362_Pro1365del.
Molecular consequence: inframe deletion.
Genome position (GRCh38, 1-based): chr17:42,698,839-42,698,850, ACTCCAGCCCCA deleted; deleting any 12 consecutive bases within chr17:42,698,830-42,698,850 gives the same sequence; the c. name uses the placement nearest the transcript's 3' end. VCF-style (leftmost placement, unchanged base first): chr17-42698829-CCCAGCCCCAACT-C. GRCh37 (hg19) VCF-style: chr17-40850847-CCCAGCCCCAACT-C.
Identifiers: ClinVar variation 2225206 (VCV002225206.2), dbSNP rs750756368, ClinGen allele CA8582531.

ClinVar aggregate classification (germline): Uncertain significance (1 of 4 stars; one submission).

Conditions:
Inborn genetic diseases. Identifiers: MedGen C0950123, MeSH D030342.

Submission:

Ambry Genetics
Classification: Uncertain significance for Inborn genetic diseases. Last evaluated: 2021-10-16. Review status: criteria provided, single submitter. Criteria: Ambry Variant Classification Scheme 2023. Collection method: clinical testing. Allele origin: germline.
Comment: The c.4084_4095del12 (p.T1362_P1365del) alteration is located in exon 24 (coding exon 24) of the CNTNAP1 gene. This alteration consists of an in-frame deletion of 12 nucleotides between nucleotide positions c.4084 and c.4095, resulting in the deletion of 4 residues. Based on insufficient or conflicting evidence, the clinical significance of this alteration remains unclear.